The following is an entry in ClinVar:

ClinVar aggregate classification (germline): Pathogenic/Likely pathogenic. Review status: criteria provided, multiple submitters, no conflicts (2 of 4 stars). 17 submissions from 17 submitters: Pathogenic (13); Likely pathogenic (2). 2 of the submissions do not count toward it. Last evaluated 2026-02-01.

Conditions:
PCCB-related disorder. Also called: PCCB-related condition.
Inborn genetic diseases. Identifiers: MedGen C0950123, MeSH D030342.
Propionic acidemia (PROP). Also called: GLYCINEMIA, KETOTIC; HYPERGLYCINEMIA WITH KETOACIDOSIS AND LEUKOPENIA; KETOTIC HYPERGLYCINEMIA. Identifiers: Orphanet 35, MedGen C0268579, MONDO:0011628, OMIM 606054, HP:0003571.

Submissions (17):

CeGaT Center for Human Genetics Tuebingen
Classification: Pathogenic. Last evaluated: 2026-02-01. Review status: criteria provided, single submitter. Criteria: CeGaT Center For Human Genetics Tuebingen Variant Classification Criteria Version 2. Collection method: clinical testing. Allele origin: germline. Affected: yes. Observed: 2 variant alleles.
Comment: PCCB: PM3:Very Strong, PVS1, PM2, PP4

Labcorp Genetics (formerly Invitae), Labcorp
Classification: Pathogenic for Propionic acidemia. Last evaluated: 2026-01-23. Review status: criteria provided, single submitter. Criteria: Invitae Variant Classification Sherloc (09022015). Collection method: clinical testing. Allele origin: germline.
Comment: This sequence change creates a premature translational stop signal (p.Gly407Argfs*14) in the PCCB gene. It is expected to result in an absent or disrupted protein product. Loss-of-function variants in PCCB are known to be pathogenic (PMID: 15464417). Information on the frequency of this variant in the gnomAD database is not available, as this variant may be reported differently in the database. This premature translational stop signal has been observed in individuals with propionic acidemia (PMID: 2249848, 9683601). It is commonly reported in individuals of European and South American ancestry (PMID: 15464417). This variant is also known as c.1218del14ins12. ClinVar contains an entry for this variant (Variation ID: 38875). Algorithms developed to predict the effect of sequence changes on RNA splicing suggest that this variant may disrupt the consensus splice site. For these reasons, this variant has been classified as Pathogenic.

Natera, Inc.
Classification: Pathogenic for Propionic acidemia. Last evaluated: 2025-11-19. Review status: criteria provided, single submitter. Criteria: Natera Variant Classification Schema (03/2026). Collection method: clinical testing. Allele origin: germline.
Comment: The c.1218_1231delGGGCATCATCCGGCinsTAGAGCACAGGA variant in PCCB is a frameshift variant predicted to shift the reading frame beginning at codon 407 and leads to a stop codon 14 codons downstream. This variant is expected to result in nonsense mediated decay, truncation, or a dysfunctional protein product. This variant is rare in the general population with a frequency below the threshold expected for the associated phenotype(s). This variant has been observed in one or more individuals affected with the associated recessive disease, as either homozygous or compound heterozygous with a second variant (PMID: 20549364). Given the available evidence, this variant is classified as Pathogenic.

3billion
Classification: Likely pathogenic for Propionic acidemia. Last evaluated: 2025-10-16. Review status: criteria provided, single submitter. Criteria: ACMG Guidelines, 2015. Collection method: clinical testing. Allele origin: germline. Affected: yes.
Comment: The variant is not observed in the gnomAD v4.1.0 dataset. Predicted Consequence/Location: Frameshift: predicted to result in a loss or disruption of normal protein function through nonsense-mediated decay (NMD) or protein truncation. Multiple pathogenic variants are reported downstream of the variant. Therefore, this variant is classified as Likely pathogenic according to the recommendation of ACMG/AMP guideline.

PreventionGenetics, part of Exact Sciences
Classification: Pathogenic for PCCB-related condition. Last evaluated: 2025-07-23. Review status: criteria provided, single submitter. Criteria: ACMG Guidelines, 2015. Collection method: clinical testing. Allele origin: germline.
Comment: The PCCB c.1218_1231delinsTAGAGCACAGGA variant is predicted to result in a frameshift and premature protein termination (p.Gly407Argfs*14). This variant has been reported in individuals with propionic acidemia (Tahara et al. 1990. PubMed ID: 2154743; Alberola et al. 2010. PubMed ID: 21125326; Sambuughin et al. 2018. PubMed ID: 30094188; Gravel et al. 1994. PubMed ID: 8023851). This particular variant is a prevalent pathogenic variant in European and Latin American populations (Rodríguez-Pombo et al. 1998. PubMed ID: 9683601; Desviat et al. 2004. PubMed ID: 15464417; Kraus et al. 2012. PubMed ID: 22033733). This variant has not been reported in a large population database, indicating this variant is rare. Frameshift variants in PCCB are expected to be pathogenic. This variant is interpreted as pathogenic.

Mendelics
Classification: Pathogenic for Propionic acidemia. Last evaluated: 2024-01-23. Review status: criteria provided, single submitter. Criteria: ACMG Guidelines, 2015. Collection method: clinical testing. Allele origin: unknown.

Fulgent Genetics
Classification: Pathogenic for Propionic acidemia. Last evaluated: 2023-12-24. Review status: criteria provided, single submitter. Criteria: ACMG Guidelines, 2015. Collection method: clinical testing. Allele origin: germline.

New York Genome Center
Classification: Likely pathogenic for Propionic acidemia. Last evaluated: 2023-08-23. Review status: criteria provided, single submitter. Criteria: NYGC Assertion Criteria 2020. Collection method: clinical testing. Allele origin: germline. Observed: 1 heterozygote.

GeneDx
Classification: Pathogenic. Last evaluated: 2022-10-07. Review status: criteria provided, single submitter. Criteria: GeneDx Variant Classification Process June 2021. Collection method: clinical testing. Allele origin: germline. Affected: yes.
Comment: Frameshift variant predicted to result in protein truncation or nonsense mediated decay in a gene for which loss-of-function is a known mechanism of disease; Not observed in large population cohorts (gnomAD); This variant is associated with the following publications: (PMID: 21125326, 8023851, 30094188, 2154743, 33473339)

Ambry Genetics
Classification: Pathogenic for Inborn genetic diseases. Last evaluated: 2021-01-05. Review status: criteria provided, single submitter. Criteria: Ambry Variant Classification Scheme 2023. Collection method: clinical testing. Allele origin: germline.
Comment: The c.1218_1231delinsTAGAGCACAGGA (p.G407Rfs*14) alteration, located in exon 12 (coding exon 12) of the PCCB gene, consists of a deletion of 14 and insertion of 12 nucleotides causing a translational frameshift at position 1218 with a predicted alternate stop codon after 14 amino acids. This alteration is expected to result in loss of function by premature protein truncation or nonsense-mediated mRNA decay. Based on the available evidence, this alteration is classified as pathogenic.

Blueprint Genetics
Classification: Pathogenic for PCCB-related disorders. Last evaluated: 2020-04-28. Review status: criteria provided, single submitter. Criteria: ACMG Guidelines, 2015. Collection method: clinical testing. Allele origin: germline. Affected: yes. Observed: 1 variant allele.

Myriad Genetics, Inc.
Classification: Pathogenic for Propionic acidemia. Last evaluated: 2019-12-20. Review status: criteria provided, single submitter. Criteria: Myriad Women's Health Autosomal Recessive and X-Linked Classification Criteria (2019). Collection method: clinical testing. Allele origin: unknown.
Comment: NM_000532.4(PCCB):c.1218_1231del14ins12(G407Rfs*14) is classified as pathogenic in the context of PCCB-related propionic acidemia. Sources cited for classification include the following: PMID 20549364. Classification NM_000532.4(PCCB):c.1218_1231del14ins12(G407Rfs*14) is based on the following criteria: The variant causes a premature termination codon that is expected to be targeted by nonsense-mediated mRNA decay and is reported in individuals with the relevant phenotype. Please note: this variant was assessed in the context of healthy population screening.

Eurofins Ntd Llc (ga)
Classification: Pathogenic. Last evaluated: 2017-12-14. Review status: criteria provided, single submitter. Criteria: EGL Classification Definitions 2015. Collection method: clinical testing. Allele origin: germline. Observed: 13 variant alleles, 10 heterozygotes, 3 homozygotes.

Women's Health and Genetics/Laboratory Corporation of America, LabCorp
Classification: Pathogenic for Propionic acidemia. Last evaluated: 2016-01-21. Review status: criteria provided, single submitter. Criteria: LabCorp Variant Classification Summary - May 2015. Collection method: clinical testing. Allele origin: germline.
Comment: Variant summary: This c.1218_1231delinsTAGAGCACAGGA (or c.1218_1231del14ins12) variant causes a frameshift, which alters the proteins amino acid sequence beginning at position 407 and leads to a premature termination codon 14 amino acids downstream. It is predicted to cause a truncated or absent PCCB protein. Loss-of-function due to mutations in this gene is an established disease mechanism in Propionic Acidemia. This variant was not found in approximately 121298 controls chromosomes (including broad and large populations of ExAC). In literature and databases, this variant has been reported or found as the most common pathogenic variant in Caucasians that causes Propionic Acidemia. One clinical lab and multiple databases have classified this variant as pathogenic. Taken together, this variant has been classified as a Pathogenic.

Clinical Genetics Service, Universitary Hospital 12 de Octubre
Classification: Pathogenic for Propionic acidemia. Review status: criteria provided, single submitter. Criteria: ACMG Guidelines, 2015. Collection method: clinical testing. Allele origin: germline. Affected: yes.

GeneReviews
Classification: Pathogenic for Propionic Acidemia. Last evaluated: 2012-05-17. Review status: no assertion criteria provided. Collection method: curation. Allele origin: unknown. Not counted in ClinVar's aggregate classification.
ClinVar note: Converted during submission from pathologic to Pathogenic.

OMIM
Classification: Pathogenic for PROPIONIC ACIDEMIA. Last evaluated: 1998-08-01. Review status: no assertion criteria provided. Collection method: literature only. Allele origin: germline. Not counted in ClinVar's aggregate classification.

Literature cited by the submitters: PubMed 15464417 (cited by Labcorp Genetics (formerly Invitae), Labcorp); PubMed 2249848 (cited by Labcorp Genetics (formerly Invitae), Labcorp); PubMed 9683601 (cited by 3 submitters); PubMed 20549364 (cited by Natera, Inc. and Myriad Genetics, Inc.); PubMed 8023851 (cited by Eurofins Ntd Llc (ga) and Women's Health and Genetics/Laboratory Corporation of America, LabCorp).

NM_000532.5(PCCB):c.1218_1231delinsTAGAGCACAGGA (p.Gly407fs)

Gene: PCCB (propionyl-CoA carboxylase subunit beta; plus strand). Cytogenetic location: 3q22.3.
Variant type: Indel.
Coding change: c.1218_1231delinsTAGAGCACAGGA on transcript NM_000532.5 (MANE Select); coding-DNA positions 1218 to 1231, GGGCATCATCCGGC replaced by TAGAGCACAGGA.
Protein change: p.Gly407fs; shifts the reading frame from glycine 407.
Molecular consequence: frameshift variant.
Genome position (GRCh38, 1-based): chr3:136,327,174-136,327,187, GGGCATCATCCGGC replaced by TAGAGCACAGGA. VCF-style: chr3-136327174-GGGCATCATCCGGC-TAGAGCACAGGA. GRCh37 (hg19) VCF-style: chr3-136046016-GGGCATCATCCGGC-TAGAGCACAGGA.
Other names: c.1278_1291delinsTAGAGCACAGGA, p.Gly427fs (NM_001178014.2); c.1218del14ins12 (NM_000532.4); short protein forms G427fs, G407fs.
Identifiers: ClinVar variation 38875 (VCV000038875.52), dbSNP rs397507445, ClinGen allele CA343135.